The following is an entry in ClinVar:

ClinVar aggregate classification (germline): Uncertain significance. Review status: criteria provided, multiple submitters, no conflicts (2 of 4 stars). 2 submissions from 2 submitters: Uncertain significance (2). Last evaluated 2025-06-09.

Allele frequency attached by ClinVar (database versions not stated): gnomAD exomes 0.00001; ExAC 0.00001.
gnomAD v4.1: 4 of 1,613,670 alleles (0.00025%); highest among the groups gnomAD compares: Non-Finnish European, 0.00034%; no homozygotes.

Submissions (2):

Labcorp Genetics (formerly Invitae), Labcorp
Classification: Uncertain significance. Last evaluated: 2025-06-09. Review status: criteria provided, single submitter. Criteria: Invitae Variant Classification Sherloc (09022015). Collection method: clinical testing. Allele origin: germline.
Comment: This sequence change replaces glutamic acid, which is acidic and polar, with glutamine, which is neutral and polar, at codon 1133 of the COL11A1 protein (p.Glu1133Gln). This variant is present in population databases (rs757517185, gnomAD 0.002%). This variant has not been reported in the literature in individuals affected with COL11A1-related conditions. ClinVar contains an entry for this variant (Variation ID: 1186871). Invitae Evidence Modeling of protein sequence and biophysical properties (such as structural, functional, and spatial information, amino acid conservation, physicochemical variation, residue mobility, and thermodynamic stability) indicates that this missense variant is not expected to disrupt COL11A1 protein function with a negative predictive value of 80%. In summary, the available evidence is currently insufficient to determine the role of this variant in disease. Therefore, it has been classified as a Variant of Uncertain Significance.

GeneDx
Classification: Uncertain significance. Last evaluated: 2021-04-22. Review status: criteria provided, single submitter. Criteria: GeneDx Variant Classification Process June 2021. Collection method: clinical testing. Allele origin: germline. Affected: yes.
Comment: Has not been previously published as pathogenic or benign to our knowledge; Not observed at a significant frequency in large population cohorts (Lek et al., 2016); In silico analysis, which includes protein predictors and evolutionary conservation, supports that this variant does not alter protein structure/function

NM_001854.4(COL11A1):c.3397G>C (p.Glu1133Gln)

Gene: COL11A1 (collagen type XI alpha 1 chain; minus strand). Cytogenetic location: 1p21.1.
Variant type: single nucleotide variant.
Coding change: c.3397G>C on transcript NM_001854.4 (MANE Select); coding-DNA position 3397, G replaced by C.
Protein change: p.Glu1133Gln; replaces glutamic acid 1133 with glutamine.
Molecular consequence: missense variant. On other transcripts: non-coding transcript variant (1).
Genome position (GRCh38, 1-based): chr1:102,939,076, C>G on the plus strand (G>C on the coding strand, the complement: COL11A1 is on the minus strand). VCF-style: chr1-102939076-C-G. GRCh37 (hg19) VCF-style: chr1-103404632-C-G.
Other names: c.3280G>C, p.Glu1094Gln (NM_001190709.2); c.3433G>C, p.Glu1145Gln (NM_080629.3); c.3049G>C, p.Glu1017Gln (NM_080630.4); short protein forms E1017Q, E1094Q, E1133Q, E1145Q.
Identifiers: ClinVar variation 1186871 (VCV001186871.7), dbSNP rs757517185, ClinGen allele CA974029.